The following is an entry in ClinVar:

ClinVar aggregate classification (germline): Conflicting classifications of pathogenicity. Review status: criteria provided, conflicting classifications (1 of 4 stars). 5 submissions from 4 submitters: Uncertain significance (1); Benign (1); Likely benign (2). 1 of the submissions does not count toward it. Last evaluated 2025-12-03.

Conditions:
Freeman-Sheldon syndrome (DA2A). Also called: WHISTLING FACE-WINDMILL VANE HAND SYNDROME; Arthrogryposis, distal, type 2A (Freeman-Sheldon); CRANIOCARPOTARSAL DYSPLASIA; CRANIOCARPOTARSAL DYSTROPHY. Identifiers: Orphanet 2053, MedGen C0265224, MONDO:0008675, OMIM 193700.
Distal arthrogryposis type 2B1 (DA2B1). Also called: Arthrogryposis multiplex congenita distal type II with craniofacial abnormalities. Identifiers: Orphanet 1147, MedGen C5193014, MONDO:0020820, OMIM 601680.
MYH3-related disorder. Also called: MYH3-Related Disorders; MYH3-related condition. Identifiers: MedGen CN239329.

Allele frequency attached by ClinVar (database versions not stated): ESP Exome Variant Server 0.00015; 1000 Genomes Project 30x 0.00016; gnomAD exomes 0.00016 and 0.00038; ExAC 0.00017; 1000 Genomes Project 0.00020; gnomAD 0.00023; TOPMed 0.00024.
gnomAD v4.1: 582 of 1,612,948 alleles (0.036%); highest among the groups gnomAD compares: Non-Finnish European, 0.047%; no homozygotes.

Submissions (5):

Labcorp Genetics (formerly Invitae), Labcorp
Classification: Likely benign. Last evaluated: 2025-12-03. Review status: criteria provided, single submitter. Criteria: Invitae Variant Classification Sherloc (09022015). Collection method: clinical testing. Allele origin: germline.

Blueprint Genetics
Classification: Likely benign. Last evaluated: 2024-10-31. Review status: criteria provided, single submitter. Criteria: ACMG Guidelines, 2015. Collection method: clinical testing. Allele origin: germline.

Illumina Laboratory Services, Illumina
Classification: Benign for Freeman-Sheldon syndrome. Last evaluated: 2018-01-13. Review status: criteria provided, single submitter. Criteria: ICSL Variant Classification Criteria 13 December 2019. Collection method: clinical testing. Allele origin: germline.
Comment: This variant was observed in the ICSL laboratory as part of a predisposition screen in an ostensibly healthy population. It had not been previously curated by ICSL or reported in the Human Gene Mutation Database (HGMD: prior to June 1st, 2018), and was therefore a candidate for classification through an automated scoring system. Utilizing variant allele frequency, disease prevalence and penetrance estimates, and inheritance mode, an automated score was calculated to assess if this variant is too frequent to cause the disease. Based on the score and internal cut-off values, a variant classified as benign is not then subjected to further curation. The score for this variant resulted in a classification of benign for this disease.

Illumina Laboratory Services, Illumina
Classification: Uncertain significance for Distal arthrogryposis type 2B1. Last evaluated: 2018-01-13. Review status: criteria provided, single submitter. Criteria: ICSL Variant Classification Criteria 13 December 2019. Collection method: clinical testing. Allele origin: germline.

PreventionGenetics, part of Exact Sciences
Classification: Likely benign for MYH3-related condition. Last evaluated: 2022-05-05. Review status: no assertion criteria provided. Collection method: clinical testing. Allele origin: germline. Not counted in ClinVar's aggregate classification.
Comment: This variant is classified as likely benign based on ACMG/AMP sequence variant interpretation guidelines (Richards et al. 2015 PMID: 25741868, with internal and published modifications).

NM_002470.4(MYH3):c.3468C>T (p.Gly1156=)

Gene: MYH3 (myosin heavy chain 3; minus strand). Cytogenetic location: 17p13.1.
Variant type: single nucleotide variant.
Coding change: c.3468C>T on transcript NM_002470.4 (MANE Select); coding-DNA position 3468, C replaced by T.
Protein change: p.Gly1156=; no amino-acid change (glycine 1156 retained).
Molecular consequence: synonymous variant.
Genome position (GRCh38, 1-based): chr17:10,638,304, G>A on the plus strand (C>T on the coding strand, the complement: MYH3 is on the minus strand). VCF-style: chr17-10638304-G-A. GRCh37 (hg19) VCF-style: chr17-10541621-G-A.
Identifiers: ClinVar variation 885220 (VCV000885220.14), dbSNP rs193224181, ClinGen allele CA8392501.